The following is an entry in ClinVar:

ClinVar aggregate classification (germline): Likely benign (0 of 4 stars; one submission).

Conditions:
AKAP10-related disorder. Also called: AKAP10-related condition.

Allele frequency attached by ClinVar (database versions not stated): ExAC 0.00045; 1000 Genomes Project 30x 0.00125; 1000 Genomes Project 0.00140; ESP Exome Variant Server 0.00146; gnomAD 0.00149; TOPMed 0.00158.
gnomAD v4.1: 469 of 1,596,242 alleles (0.029%); highest among the groups gnomAD compares: African/African-American, 0.56%; no homozygotes.

Submission:

PreventionGenetics, part of Exact Sciences
Classification: Likely benign for AKAP10-related condition. Last evaluated: 2019-03-14. Review status: no assertion criteria provided. Collection method: clinical testing. Allele origin: germline.
Comment: This variant is classified as likely benign based on ACMG/AMP sequence variant interpretation guidelines (Richards et al. 2015 PMID: 25741868, with internal and published modifications).

NM_007202.4(AKAP10):c.1323-4A>G

Gene: AKAP10 (A-kinase anchoring protein 10; minus strand). Cytogenetic location: 17p11.2.
Variant type: single nucleotide variant.
Coding change: c.1323-4A>G on transcript NM_007202.4 (MANE Select); 4 bases into the intron before coding-DNA position 1323, A replaced by G.
Molecular consequence: intron variant.
Genome position (GRCh38, 1-based): chr17:19,936,434, T>C on the plus strand (A>G on the coding strand, the complement: AKAP10 is on the minus strand). VCF-style: chr17-19936434-T-C. GRCh37 (hg19) VCF-style: chr17-19839747-T-C.
Other names: c.1323-4A>G (NM_001330152.2).
Identifiers: ClinVar variation 3048722 (VCV003048722.2), dbSNP rs145600622, ClinGen allele CA8445818.